The following is an entry in ClinVar:

NM_000264.5(PTCH1):c.1352C>T (p.Ala451Val)

Gene: PTCH1 (patched 1; minus strand). Cytogenetic location: 9q22.32.
Variant type: single nucleotide variant.
Coding change: c.1352C>T on transcript NM_000264.5 (MANE Select); coding-DNA position 1352, C replaced by T.
Protein change: p.Ala451Val; replaces alanine 451 with valine.
Molecular consequence: missense variant. On other transcripts: non-coding transcript variant (1), intron variant (1).
Genome position (GRCh38, 1-based): chr9:95,477,698, G>A on the plus strand (C>T on the coding strand, the complement: PTCH1 is on the minus strand). VCF-style: chr9-95477698-G-A. GRCh37 (hg19) VCF-style: chr9-98239980-G-A.
Other names: c.1154C>T, p.Ala385Val (NM_001083602.3); c.1349C>T, p.Ala450Val (NM_001083603.3); c.899C>T, p.Ala300Val (NM_001083604.3, NM_001083605.3, NM_001083606.3 and 1 more transcripts); c.1347+357C>T (NM_001354918.2); short protein forms A450V, A300V, A451V, A385V.
Identifiers: ClinVar variation 4146886 (VCV004146886.1).

ClinVar aggregate classification (germline): Uncertain significance (1 of 4 stars; one submission).

Conditions:
Hereditary cancer-predisposing syndrome. Also called: Hereditary neoplastic syndrome; Neoplastic Syndromes, Hereditary; Tumor predisposition; Hereditary Cancer Syndrome. Identifiers: Orphanet 140162, MedGen C0027672, MeSH D009386, MONDO:0015356.

Submission:

Ambry Genetics
Classification: Uncertain significance for Hereditary cancer-predisposing syndrome. Last evaluated: 2025-08-19. Review status: criteria provided, single submitter. Criteria: Ambry Variant Classification Scheme 2023. Collection method: clinical testing. Allele origin: germline.
Comment: The p.A451V variant (also known as c.1352C>T), located in coding exon 10 of the PTCH1 gene, results from a C to T substitution at nucleotide position 1352. The alanine at codon 451 is replaced by valine, an amino acid with similar properties. This amino acid position is conserved. In addition, the in silico prediction for this alteration is inconclusive. Based on the available evidence, the clinical significance of this variant remains unclear.